The following is an entry in ClinVar:

ClinVar aggregate classification (germline): Conflicting classifications of pathogenicity. Review status: criteria provided, conflicting classifications (1 of 4 stars). 13 submissions from 13 submitters: Uncertain significance (4); Benign (2); Likely benign (4). 3 of the submissions do not count toward it. Last evaluated 2026-02-06.

Conditions:
Breast and/or ovarian cancer. Identifiers: MedGen CN221562.
Hereditary cancer-predisposing syndrome. Also called: Tumor predisposition; Hereditary neoplastic syndrome; Hereditary Cancer Syndrome; Neoplastic Syndromes, Hereditary. Identifiers: Orphanet 140162, MedGen C0027672, MeSH D009386, MONDO:0015356.
Hereditary breast ovarian cancer syndrome. Also called: Hereditary breast and ovarian cancer; Hereditary breast and/or ovarian cancer syndrome; BRCA1- and BRCA2-Associated Hereditary Breast and Ovarian Cancer; Hereditary breast and ovarian cancer syndrome (HBOC); Hereditary breast and ovarian cancer syndrome; Breast and ovarian cancer. Identifiers: Orphanet 145, MedGen C0677776, MeSH D061325, MONDO:0003582. Disease mechanism: loss of function.
Breast-ovarian cancer, familial, susceptibility to, 2 (BROVCA2). Also called: BRCA2 Hereditary Breast and Ovarian Cancer. Identifiers: Orphanet 145, MedGen C2675520, MONDO:0012933, OMIM 612555. Disease mechanism: loss of function.
Malignant tumor of breast. Also called: Cancer breast; Malignant breast neoplasm. Identifiers: MedGen C0006142, MONDO:0007254. Disease mechanism: loss of function.

Allele frequency attached by ClinVar (database versions not stated): gnomAD below 0.00001 and 0.00003; TOPMed 0.00001; gnomAD exomes 0.00003 and 0.00008; ExAC 0.00010; 1000 Genomes Project 0.00020; 1000 Genomes Project 30x 0.00031.
gnomAD v4.1: 48 of 1,612,568 alleles (0.003%); highest among the groups gnomAD compares: South Asian, 0.053%; 1 homozygote.

Submissions (13):

Women's Health and Genetics/Laboratory Corporation of America, LabCorp
Classification: Likely benign. Last evaluated: 2026-02-06. Review status: criteria provided, single submitter. Criteria: LabCorp Variant Classification Summary - May 2015. Collection method: clinical testing. Allele origin: germline.
Comment: Variant summary: BRCA2 c.9257G>C (p.Gly3086Ala) results in a non-conservative amino acid change in the encoded protein sequence. Algorithms developed to predict the effect of missense changes on protein structure and function all suggest that this variant is likely to be disruptive. Consensus agreement among computation tools predict no significant impact on normal splicing. This prediction is supported by a splicing assay showing that the variant resulted in a normal transcript (Wangensteen_2019). The variant allele was found at a frequency of 8e-05 in 249820 control chromosomes, predominantly at a frequency of 0.00066 within the South Asian subpopulation in the gnomAD database, including 1 homozygote. This frequency is not significantly higher than estimated for disease-causing variants in BRCA2, allowing no conclusion about variant significance. c.9257G>C has been reported in the literature in individuals affected with Breast and/or Ovarian Cancer without evidence of causality (Singh_2018). This report does not provide unequivocal conclusions about association of the variant with Hereditary Breast And Ovarian Cancer Syndrome. At least 2 functional studies report experimental evidence and showed no damaging effect of this variant on homology directed repair (HDR) activity (e.g. Hu_2022, Hu_2024). HDR assays qualify as a recognized gold standard on the basis of updated guidance provided by the ClinGen Sequence Variant Interpretation (SVI) working group. The following publications have been ascertained in the context of this evaluation (PMID: 35736817, 29470806, 31143303, 38417439, 28487467, 40851390, 38806232). ClinVar contains an entry for this variant (Variation ID: 156179). Based on the evidence outlined above, the variant was classified as likely benign.

Labcorp Genetics (formerly Invitae), Labcorp
Classification: Likely benign for Hereditary breast ovarian cancer syndrome. Last evaluated: 2026-01-14. Review status: criteria provided, single submitter. Criteria: Invitae Variant Classification Sherloc (09022015). Collection method: clinical testing. Allele origin: germline.

Center for Genomic Medicine, Rigshospitalet, Copenhagen University Hospital
Classification: Benign. Last evaluated: 2025-12-29. Review status: criteria provided, single submitter. Criteria: ACMG Guidelines, 2015. Collection method: clinical testing. Allele origin: germline.
Comment: Classification criteria: BS1, BP4, BS3

Color Diagnostics, LLC DBA Color Health
Classification: Likely benign for Hereditary cancer-predisposing syndrome. Last evaluated: 2025-12-09. Review status: criteria provided, single submitter. Criteria: ACMG Guidelines, 2015. Collection method: clinical testing. Allele origin: germline.

Revvity Omics, Revvity
Classification: Uncertain significance. Last evaluated: 2025-06-20. Review status: criteria provided, single submitter. Criteria: ACMG Guidelines, 2015. Collection method: clinical testing. Allele origin: germline.

CeGaT Center for Human Genetics Tuebingen
Classification: Likely benign. Last evaluated: 2025-03-01. Review status: criteria provided, single submitter. Criteria: CeGaT Center For Human Genetics Tuebingen Variant Classification Criteria Version 2. Collection method: clinical testing. Allele origin: germline. Affected: yes. Observed: 1 variant allele.
Comment: BRCA2: BP1, BS3:Supporting, BS1

All of Us Research Program, National Institutes of Health
Classification: Uncertain significance for Breast-ovarian cancer, familial, susceptibility to, 2. Last evaluated: 2024-02-05. Review status: criteria provided, single submitter. Criteria: ACMG Guidelines, 2015. Collection method: clinical testing. Allele origin: germline. Inheritance: Autosomal dominant inheritance. Observed: 4 variant alleles, 3 heterozygotes, 1 homozygote.
Comment: This missense variant replaces glycine with alanine at codon 3086 of the BRCA2 protein. Computational prediction is inconclusive regarding the impact of this variant on protein structure and function (internally defined REVEL score threshold 0.5 < inconclusive < 0.7, PMID: 27666373). An RNA study has shown that this variant does not impact splicing (PMID: 29470806). A functional study has shown that this variant does not impact homology-directed DNA repair (PMID: 35736817). This variant has been reported in individuals affected with breast or ovarian cancer (PMID: 29470806). This variant has been identified in 20/249820 chromosomes in the general population by the Genome Aggregation Database (gnomAD). The available evidence is insufficient to determine the role of this variant in disease conclusively. Therefore, this variant is classified as a Variant of Uncertain Significance.

This study involves interpretation of variants in research participants for the purpose of population health screening. Participant phenotype was not available at the time of variant classification. Additional details can be found in publication PMID: 35346344, PMCID: PMC8962531

CHEO Genetics Diagnostic Laboratory, Children's Hospital of Eastern Ontario
Classification: Uncertain significance for Breast and/or ovarian cancer. Last evaluated: 2023-03-03. Review status: criteria provided, single submitter. Criteria: ACMG Guidelines, 2015. Collection method: clinical testing. Allele origin: germline.

Ambry Genetics
Classification: Benign for Hereditary cancer-predisposing syndrome. Last evaluated: 2022-01-11. Review status: criteria provided, single submitter. Criteria: Ambry Variant Classification Scheme 2023. Collection method: clinical testing. Allele origin: germline.

GeneDx
Classification: Uncertain significance. Last evaluated: 2015-11-15. Review status: criteria provided, single submitter. Criteria: GeneDx Variant Classification (06012015). Collection method: clinical testing. Allele origin: germline. Affected: yes.
Comment: This variant is denoted BRCA2 c.9257G>C at the cDNA level, p.Gly3086Ala (G3086A) at the protein level, and results in the change of a Glycine to an Alanine (GGA>GCA). Using alternate nomenclature, this variant would be defined as BRCA2 9485G>C. This variant has not, to our knowledge, been published in the literature as pathogenic or benign. BRCA2 Gly3086Ala was not observed in approximately 6,500 individuals of European and African American ancestry in the NHLBI Exome Sequencing Project, suggesting it is not a common benign variant in these populations. Since Glycine and Alanine share similar properties, this is considered a conservative amino acid substitution. BRCA2 Gly3086Ala occurs at a position that is not conserved and is located in the DNA binding domain (Borg 2010). In silico analyses predict that this variant is probably damaging to protein structure and function. Based on currently available evidence, it is unclear whether BRCA2 Gly3086Ala is a pathogenic or benign variant. We consider it to be a variant of uncertain significance.

Counsyl
Classification: Uncertain significance for Breast-ovarian cancer, familial, susceptibility to, 2. Last evaluated: 2015-12-18. Review status: no assertion criteria provided. Collection method: clinical testing. Allele origin: unknown. Not counted in ClinVar's aggregate classification.

Sharing Clinical Reports Project (SCRP)
Classification: Uncertain significance for Breast-ovarian cancer, familial 2. Last evaluated: 2011-02-25. Review status: no assertion criteria provided. Collection method: clinical testing. Allele origin: germline. Not counted in ClinVar's aggregate classification.

Department of Pathology and Laboratory Medicine, Sinai Health System
Classification: Uncertain significance for Malignant tumor of breast. Review status: no assertion criteria provided. Collection method: clinical testing. Allele origin: unknown. Affected: yes. Study: The Canadian Open Genetics Repository (COGR). Not counted in ClinVar's aggregate classification.
Comment: The BRCA2 p.Gly3086Ala variant was not identified in the literature nor was it identified in the Cosmic, MutDB, UMD-LSDB, BIC Database, ARUP Laboratories, or the Zhejiang University database. The variant was identified in the following databases: dbSNP (ID: rs574271678) as "With Uncertain significance allele", ClinVar (classified as uncertain significance by Invitae, GeneDx, Counsyl and four other submitters), COGR, and in LOVD 3.0 (1x). The variant was identified in control databases in 20 of 244720 chromosomes (1 homozygous) at a frequency of 0.00008 increasing the likelihood this could be a low frequency benign variant (Genome Aggregation Database Feb 27, 2017). The variant was observed in the South Asian population in 20 of 30620 chromosomes (freq: 0.0007) but not in the African, Other, Latino, European, Ashkenazi Jewish, East Asian, and Finnish, populations. The p.Gly3086 residue is conserved in mammals and computational analyses (PolyPhen-2, SIFT, AlignGVGD, BLOSUM, MutationTaster) provide inconsistent predictions regarding the impact to the protein; this information is not very predictive of pathogenicity. The p.Gly3086Ala variant occurs in the first base of the exon. This position has been shown to be part of the splicing consensus sequence and variants involving this position sometimes affect splicing. In addition, 2 of 5 in silico or computational prediction software programs (SpliceSiteFinder, MaxEntScan, NNSPLICE, GeneSplicer, HumanSpliceFinder) predict a greater than 10% difference in splicing. In summary, based on the above information the clinical significance of this variant cannot be determined with certainty at this time. This variant is classified as a variant of uncertain significance.

Literature cited by the submitters: PubMed 29470806 (cited by 3 submitters); PubMed 31143303 (cited by 3 submitters); PubMed 35736817 (cited by Women's Health and Genetics/Laboratory Corporation of America, LabCorp and All of Us Research Program, National Institutes of Health); PubMed 38417439 (cited by Women's Health and Genetics/Laboratory Corporation of America, LabCorp); PubMed 38806232 (cited by Women's Health and Genetics/Laboratory Corporation of America, LabCorp); PubMed 40851390 (cited by Women's Health and Genetics/Laboratory Corporation of America, LabCorp); PubMed 28487467 (cited by Women's Health and Genetics/Laboratory Corporation of America, LabCorp).

NM_000059.4(BRCA2):c.9257G>C (p.Gly3086Ala)

Gene: BRCA2 (BRCA2 DNA repair associated; plus strand). Cytogenetic location: 13q13.1.
Variant type: single nucleotide variant.
Coding change: c.9257G>C on transcript NM_000059.4 (MANE Select); coding-DNA position 9257, G replaced by C.
Protein change: p.Gly3086Ala; replaces glycine 3086 with alanine.
Molecular consequence: missense variant.
Genome position (GRCh38, 1-based): chr13:32,394,689, G>C. VCF-style: chr13-32394689-G-C. GRCh37 (hg19) VCF-style: chr13-32968826-G-C.
Other names: 9485G>C; short protein forms G3086A.
Identifiers: ClinVar variation 156179 (VCV000156179.47), dbSNP rs574271678, ClinGen allele CA026069.